The following is an entry in ClinVar:

ClinVar aggregate classification (germline): Uncertain significance. Review status: criteria provided, single submitter (1 of 4 stars). 2 submissions from 2 submitters: Uncertain significance (1). 1 of the submissions does not count toward it. Last evaluated 2026-01-20.

Conditions:
HYOU1-related disorder. Also called: HYOU1-related condition.

Allele frequency attached by ClinVar (database versions not stated): TOPMed 0.00069; gnomAD 0.00071 and 0.00074; gnomAD exomes 0.00124.
gnomAD v4.1: 1,909 of 1,614,090 alleles (0.12%); highest among the groups gnomAD compares: Non-Finnish European, 0.15%; 4 homozygotes.

Submissions (2):

Labcorp Genetics (formerly Invitae), Labcorp
Classification: Uncertain significance. Last evaluated: 2026-01-20. Review status: criteria provided, single submitter. Criteria: Invitae Variant Classification Sherloc (09022015). Collection method: clinical testing. Allele origin: germline.
Comment: This sequence change replaces lysine, which is basic and polar, with glutamic acid, which is acidic and polar, at codon 919 of the HYOU1 protein (p.Lys919Glu). This variant is present in population databases (rs140010748, gnomAD 0.1%), and has an allele count higher than expected for a pathogenic variant. This variant has not been reported in the literature in individuals affected with HYOU1-related conditions. ClinVar contains an entry for this variant (Variation ID: 1056226). Experimental studies and prediction algorithms are not available or were not evaluated, and the functional significance of this variant is currently unknown. In summary, the available evidence is currently insufficient to determine the role of this variant in disease. Therefore, it has been classified as a Variant of Uncertain Significance.

PreventionGenetics, part of Exact Sciences
Classification: Likely benign for HYOU1-related condition. Last evaluated: 2024-02-11. Review status: no assertion criteria provided. Collection method: clinical testing. Allele origin: germline. Not counted in ClinVar's aggregate classification.
Comment: This variant is classified as likely benign based on ACMG/AMP sequence variant interpretation guidelines (Richards et al. 2015 PMID: 25741868, with internal and published modifications).

NM_006389.5(HYOU1):c.2755A>G (p.Lys919Glu)

Gene: HYOU1 (hypoxia up-regulated 1; minus strand). Cytogenetic location: 11q23.3.
Variant type: single nucleotide variant.
Coding change: c.2755A>G on transcript NM_006389.5 (MANE Select); coding-DNA position 2755, A replaced by G.
Protein change: p.Lys919Glu; replaces lysine 919 with glutamic acid.
Molecular consequence: missense variant.
Genome position (GRCh38, 1-based): chr11:119,046,643, T>C on the plus strand (A>G on the coding strand, the complement: HYOU1 is on the minus strand). VCF-style: chr11-119046643-T-C. GRCh37 (hg19) VCF-style: chr11-118917355-T-C.
Other names: c.2755A>G, p.Lys919Glu (NM_001130991.3); c.2755A>G (NM_006389.4); short protein forms K919E.
Identifiers: ClinVar variation 1056226 (VCV001056226.10), dbSNP rs140010748, ClinGen allele CA229616873.